The following is an entry in ClinVar:

ClinVar aggregate classification (germline): Uncertain significance (1 of 4 stars; one submission).

Conditions:
Oto-palato-digital syndrome, type II (OPD2). Also called: FACIOPALATOOSSEOUS SYNDROME; OPD II SYNDROME; Otopalatodigital Syndrome, Type II; Otopalatodigital Syndrome Type 2 (FLNA-OPD2). Identifiers: Orphanet 669, Orphanet 90652, MedGen C1844696, MONDO:0010571, OMIM 304120.
Heterotopia, periventricular, X-linked dominant (PVNH1). Also called: PERIVENTRICULAR NODULAR HETEROTOPIA 1; X-linked periventricular heterotopia; PERIVENTRICULAR NODULAR HETEROTOPIA 4; HETEROTOPIA, PERIVENTRICULAR, 1. Identifiers: Orphanet 2149, Orphanet 82004, MedGen C1848213, MONDO:0010233, OMIM 300049.
Frontometaphyseal dysplasia (FMD1). Identifiers: Orphanet 1826, MedGen C0265293, MONDO:0015942.
Melnick-Needles syndrome (MNS). Also called: MELNICK-NEEDLES OSTEODYSPLASTY; OSTEODYSPLASTY OF MELNICK AND NEEDLES; Melnick-Needles Syndrome (FLNA-MNS). Identifiers: Orphanet 2484, MedGen C0025237, MONDO:0010650, OMIM 309350.

gnomAD v4.1: 1 of 1,211,579 alleles (0.000083%); highest among the groups gnomAD compares: African/African-American, 0.0017%; no homozygotes.

Submission:

Labcorp Genetics (formerly Invitae), Labcorp
Classification: Uncertain significance for Oto-palato-digital syndrome, type II; Heterotopia, periventricular, X-linked dominant; Frontometaphyseal dysplasia; Melnick-Needles syndrome. Last evaluated: 2023-04-14. Review status: criteria provided, single submitter. Criteria: Invitae Variant Classification Sherloc (09022015). Collection method: clinical testing. Allele origin: germline.
Comment: This variant is not present in population databases (gnomAD no frequency). In summary, the available evidence is currently insufficient to determine the role of this variant in disease. Therefore, it has been classified as a Variant of Uncertain Significance. Advanced modeling of protein sequence and biophysical properties (such as structural, functional, and spatial information, amino acid conservation, physicochemical variation, residue mobility, and thermodynamic stability) has been performed at Invitae for this missense variant, however the output from this modeling did not meet the statistical confidence thresholds required to predict the impact of this variant on FLNA protein function. This variant has not been reported in the literature in individuals affected with FLNA-related conditions. This sequence change replaces proline, which is neutral and non-polar, with arginine, which is basic and polar, at codon 1011 of the FLNA protein (p.Pro1011Arg).

NM_001110556.2(FLNA):c.3032C>G (p.Pro1011Arg)

Gene: FLNA (filamin A; minus strand). Cytogenetic location: Xq28.
Variant type: single nucleotide variant.
Coding change: c.3032C>G on transcript NM_001110556.2 (MANE Select); coding-DNA position 3032, C replaced by G.
Protein change: p.Pro1011Arg; replaces proline 1011 with arginine.
Molecular consequence: missense variant.
Genome position (GRCh38, 1-based): chrX:154,361,483, G>C on the plus strand (C>G on the coding strand, the complement: FLNA is on the minus strand). VCF-style: chrX-154361483-G-C. GRCh37 (hg19) VCF-style: chrX-153589851-G-C.
Other names: c.3032C>G, p.Pro1011Arg (NM_001456.4); short protein forms P1011R.
Identifiers: ClinVar variation 2943289 (VCV002943289.3), dbSNP rs2522745306, ClinGen allele CA415230775.